The following is an entry in ClinVar:

ClinVar aggregate classification (germline): Uncertain significance (1 of 4 stars; one submission).

Conditions:
POLD1-related polyposis and colorectal cancer syndrome (CRCS10). Also called: Colorectal cancer 10; COLORECTAL CANCER, SUSCEPTIBILITY TO, ON CHROMOSOME 19q; Colorectal cancer, susceptibility to, 10. Identifiers: Orphanet 220460, MedGen C2675481, MONDO:0012953, OMIM 612591.

Submission:

Labcorp Genetics (formerly Invitae), Labcorp
Classification: Uncertain significance for POLD1-related polyposis and colorectal cancer syndrome. Last evaluated: 2022-02-17. Review status: criteria provided, single submitter. Criteria: Invitae Variant Classification Sherloc (09022015). Collection method: clinical testing. Allele origin: germline.
Comment: This sequence change replaces valine, which is neutral and non-polar, with isoleucine, which is neutral and non-polar, at codon 449 of the POLD1 protein (p.Val449Ile). This variant is not present in population databases (gnomAD no frequency). This variant has not been reported in the literature in individuals affected with POLD1-related conditions. ClinVar contains an entry for this variant (Variation ID: 969544). Algorithms developed to predict the effect of missense changes on protein structure and function output the following: SIFT: "Tolerated"; PolyPhen-2: "Benign"; Align-GVGD: "Class C0". The isoleucine amino acid residue is found in multiple mammalian species, which suggests that this missense change does not adversely affect protein function. Algorithms developed to predict the effect of sequence changes on RNA splicing suggest that this variant is not likely to affect RNA splicing. In summary, the available evidence is currently insufficient to determine the role of this variant in disease. Therefore, it has been classified as a Variant of Uncertain Significance.

NM_002691.4(POLD1):c.1345G>A (p.Val449Ile)

Gene: POLD1 (DNA polymerase delta 1, catalytic subunit; plus strand). Cytogenetic location: 19q13.33.
Variant type: single nucleotide variant.
Coding change: c.1345G>A on transcript NM_002691.4 (MANE Select); coding-DNA position 1345, G replaced by A.
Protein change: p.Val449Ile; replaces valine 449 with isoleucine.
Molecular consequence: missense variant. On other transcripts: non-coding transcript variant (1).
Genome position (GRCh38, 1-based): chr19:50,406,284, G>A. VCF-style: chr19-50406284-G-A. GRCh37 (hg19) VCF-style: chr19-50909541-G-A.
Other names: c.1345G>A, p.Val449Ile (NM_001256849.1, NM_001308632.1); short protein forms V449I.
Identifiers: ClinVar variation 969544 (VCV000969544.8), dbSNP rs2038876608, ClinGen allele CA406979914.